The following is an entry in ClinVar:

NM_000038.6(APC):c.7664C>G (p.Ser2555Ter)

Gene: APC (APC regulator of Wnt signaling pathway; plus strand). Cytogenetic location: 5q22.2.
Variant type: single nucleotide variant.
Coding change: c.7664C>G on transcript NM_000038.6 (MANE Select); coding-DNA position 7664, C replaced by G.
Protein change: p.Ser2555Ter; replaces serine 2555 with a stop codon.
Molecular consequence: nonsense. On other transcripts: non-coding transcript variant (2).
Genome position (GRCh38, 1-based): chr5:112,843,258, C>G. VCF-style: chr5-112843258-C-G. GRCh37 (hg19) VCF-style: chr5-112178955-C-G.
Other names: c.7664C>G, p.Ser2555Ter (NM_001127510.3, NM_001354895.2, NM_001407450.1); c.7610C>G, p.Ser2537Ter (NM_001127511.3); c.7718C>G, p.Ser2573Ter (NM_001354896.2, NM_001407447.1, NM_001407448.1 and 1 more transcripts); c.7694C>G, p.Ser2565Ter (NM_001354897.2); c.7589C>G, p.Ser2530Ter (NM_001354898.2); c.7580C>G, p.Ser2527Ter (NM_001354899.2); c.7541C>G, p.Ser2514Ter (NM_001354900.2); c.7487C>G, p.Ser2496Ter (NM_001354901.2, NM_001407453.1); and 11 more; short protein forms S2171*, S2272*, S2395*, S2426*, S2429*, S2454*, S2464*, S2472*.
Identifiers: ClinVar variation 3379268 (VCV003379268.2).

ClinVar aggregate classification (germline): Pathogenic. Review status: criteria provided, multiple submitters, no conflicts (2 of 4 stars). 2 submissions from 2 submitters: Pathogenic (2). Last evaluated 2024-08-21.

Conditions:
Hereditary cancer-predisposing syndrome. Also called: Neoplastic Syndromes, Hereditary; Tumor predisposition; Hereditary Cancer Syndrome; Hereditary neoplastic syndrome. Identifiers: Orphanet 140162, MedGen C0027672, MeSH D009386, MONDO:0015356.
Familial adenomatous polyposis 1 (FAP1). Also called: FAMILIAL ADENOMATOUS POLYPOSIS 1, ATTENUATED; POLYPOSIS, ADENOMATOUS INTESTINAL. Identifiers: MedGen C2713442, MONDO:0021056, OMIM 175100. Disease mechanism: loss of function.

Submissions (2):

Myriad Genetics, Inc.
Classification: Pathogenic for Familial adenomatous polyposis 1. Last evaluated: 2024-08-21. Review status: criteria provided, single submitter. Criteria: Myriad Autosomal Dominant, Autosomal Recessive and X-Linked Classification Criteria (2023). Collection method: clinical testing. Allele origin: unknown.
Comment: This variant is considered pathogenic. This variant creates a termination codon and is predicted to result in premature protein truncation.

Color Diagnostics, LLC DBA Color Health
Classification: Pathogenic for Hereditary cancer-predisposing syndrome. Last evaluated: 2024-01-08. Review status: criteria provided, single submitter. Criteria: ACMG Guidelines, 2015. Collection method: clinical testing. Allele origin: germline.
Comment: This variant changes 1 nucleotide in exon 16 of the APC gene, creating a premature translation stop signal in the last coding exon. This variant is predicted to escape nonsense-mediated decay and be expressed as a truncated protein. Although functional studies have not been reported, this variant is expected to disrupt the EB1 and HDLG binding domains (PMID: 11257105). To our knowledge, this variant has not been reported in individuals affected with APC-related disorders in the literature. This variant has not been identified in the general population by the Genome Aggregation Database (gnomAD). Loss of APC function is a known mechanism of disease. Based on the available evidence, this variant is classified as Pathogenic.

Literature cited by the submitters: PubMed 11257105 (cited by Color Diagnostics, LLC DBA Color Health).